The following is an entry in ClinVar:

ClinVar aggregate classification (germline): Uncertain significance (1 of 4 stars; one submission).

gnomAD v4.1: 3 of 1,536,914 alleles (0.0002%); highest among the groups gnomAD compares: East Asian, 0.0024%; no homozygotes.

Submission:

Labcorp Genetics (formerly Invitae), Labcorp
Classification: Uncertain significance. Last evaluated: 2024-08-23. Review status: criteria provided, single submitter. Criteria: Invitae Variant Classification Sherloc (09022015). Collection method: clinical testing. Allele origin: germline.
Comment: This sequence change falls in intron 3 of the GCGR gene. It does not directly change the encoded amino acid sequence of the GCGR protein. It affects a nucleotide within the consensus splice site. The frequency data for this variant in the population databases is considered unreliable, as metrics indicate poor data quality at this position in the gnomAD database. This variant has not been reported in the literature in individuals affected with GCGR-related conditions. Variants that disrupt the consensus splice site are a relatively common cause of aberrant splicing (PMID: 17576681, 9536098). Algorithms developed to predict the effect of sequence changes on RNA splicing suggest that this variant may disrupt the consensus splice site. In summary, the available evidence is currently insufficient to determine the role of this variant in disease. Therefore, it has been classified as a Variant of Uncertain Significance.

Literature cited by the submitters: PubMed 17576681; PubMed 9536098.

NM_000160.5(GCGR):c.164-3C>A

Gene: GCGR (glucagon receptor; plus strand). Cytogenetic location: 17q25.3.
Variant type: single nucleotide variant.
Coding change: c.164-3C>A on transcript NM_000160.5 (MANE Select); 3 bases into the intron before coding-DNA position 164, C replaced by A.
Molecular consequence: intron variant.
Genome position (GRCh38, 1-based): chr17:81,810,822, C>A. VCF-style: chr17-81810822-C-A. GRCh37 (hg19) VCF-style: chr17-79768698-C-A.
Identifiers: ClinVar variation 3610424 (VCV003610424.2).